The following is an entry in ClinVar:

NM_138420.4(AHNAK2):c.7415C>T (p.Ala2472Val)

Gene: AHNAK2 (AHNAK nucleoprotein 2; minus strand). Cytogenetic location: 14q32.33.
Variant type: single nucleotide variant.
Coding change: c.7415C>T on transcript NM_138420.4 (MANE Select); coding-DNA position 7415, C replaced by T.
Protein change: p.Ala2472Val; replaces alanine 2472 with valine.
Molecular consequence: missense variant.
Genome position (GRCh38, 1-based): chr14:104,948,036, G>A on the plus strand (C>T on the coding strand, the complement: AHNAK2 is on the minus strand). VCF-style: chr14-104948036-G-A. GRCh37 (hg19) VCF-style: chr14-105414373-G-A.
Other names: c.7115C>T, p.Ala2372Val (NM_001350929.2); short protein forms A2372V, A2472V.
Identifiers: ClinVar variation 3025416 (VCV003025416.22), dbSNP rs199577521, ClinGen allele CA7380601.
Genomic context (GRCh38, chr14:104,948,036, plus strand): 5'-GACGGCATCTTGAACTTGGGAATTTTGAACCTGCTGTCTTTGGTAGTCACATCCTTGTCC[G>A]CCACAGACAGGTCCCCCTCCAGCCACGCACCATCCAGCTTGGCTCCCGGGGCCTCGACAT-3'
Protein context (NP_612429.2, residues 2462-2482): GAWLEGDLSV[Ala2472Val]DKDVTTKDSR

ClinVar aggregate classification (germline): Benign (1 of 4 stars; one submission).

Allele frequency attached by ClinVar (database versions not stated): gnomAD 0.00049; TOPMed 0.00054; ESP Exome Variant Server 0.00072; ExAC 0.00077.
gnomAD v4.1: 705 of 1,612,432 alleles (0.044%); highest among the groups gnomAD compares: Middle Eastern, 0.033%; 3 homozygotes.

Submission:

CeGaT Center for Human Genetics Tuebingen
Classification: Benign. Last evaluated: 2024-05-01. Review status: criteria provided, single submitter. Criteria: CeGaT Center For Human Genetics Tuebingen Variant Classification Criteria Version 2. Collection method: clinical testing. Allele origin: germline. Affected: yes. Observed: 2 variant alleles.
Comment: AHNAK2: BP4, BS1, BS2